The following is an entry in ClinVar:

ClinVar aggregate classification (germline): Uncertain significance (1 of 4 stars; one submission).

Conditions:
Neurodevelopmental disorder with dysmorphic facies, sleep disturbance, and brain abnormalities. Identifiers: MedGen C5436821, MONDO:0030852, OMIM 619103.

gnomAD v4.1: 15 of 1,425,496 alleles (0.0011%); highest among the groups gnomAD compares: South Asian, 0.022%; no homozygotes.

Submission:

Neuberg Centre For Genomic Medicine, NCGM
Classification: Uncertain significance for Neurodevelopmental disorder with dysmorphic facies, sleep disturbance, and brain abnormalities. Last evaluated: 2023-05-20. Review status: criteria provided, single submitter. Criteria: ACMG Guidelines, 2015. Collection method: clinical testing. Allele origin: germline. Inheritance: Autosomal dominant inheritance. Affected: yes.
Comment: The observed missense c.9G>C(p.Glu3Asp) variant in KAT5 gene has not been reported previously as a pathogenic variant nor as a benign variant, to our knowledge. This variant is absent in gnomAD Exomes. The amino acid Glu at position 3 is changed to a Asp changing protein sequence and it might alter its composition and physico-chemical properties. The amino acid change p.Glu3Asp in KAT5 is predicted as conserved by GERP++ and PhyloP across 100 vertebrates. Computational evidence (Polyphen - Possibly Damaging/Benign, SIFT - Damaging, and MutationTaster - Disease causing) predicts conflicting evidence on protein structure and function for this variant. For these reasons, this variant has been classified as Uncertain Significance.

NM_182710.3(KAT5):c.9G>C (p.Glu3Asp)

Gene: KAT5 (lysine acetyltransferase 5; plus strand). Cytogenetic location: 11q13.1.
Variant type: single nucleotide variant.
Coding change: c.9G>C on transcript NM_182710.3 (MANE Select); coding-DNA position 9, G replaced by C.
Protein change: p.Glu3Asp; replaces glutamic acid 3 with aspartic acid.
Molecular consequence: missense variant.
Genome position (GRCh38, 1-based): chr11:65,712,276, G>C. VCF-style: chr11-65712276-G-C. GRCh37 (hg19) VCF-style: chr11-65479747-G-C.
Other names: c.9G>C, p.Glu3Asp (NM_001206833.2, NM_006388.4, NM_182709.3); short protein forms E3D.
Identifiers: ClinVar variation 3341412 (VCV003341412.1).